The following is an entry in ClinVar:

ClinVar aggregate classification (germline): Uncertain significance (1 of 4 stars; one submission).

Conditions:
MELAS syndrome (MELAS). Also called: Juvenile myopathy, encephalopathy, lactic acidosis, stroke. Identifiers: Orphanet 550, MedGen C0162671, MONDO:0010789, OMIM 540000.

Submission:

Wong Mito Lab, Molecular and Human Genetics, Baylor College of Medicine
Classification: Uncertain significance for MELAS syndrome. Last evaluated: 2019-07-12. Review status: criteria provided, single submitter. Criteria: Modified ACMG Guidelines (Unpublished). Collection method: clinical testing. Allele origin: germline.
Comment: The NC_012920.1:m.7487C>T variant in MT-TS1 gene is interpreted to be a Unknown Significance variant based on the modified ACMG guidelines (unpublished). This variant meets the following evidence codes reported in the guidelines: PP3

Literature cited by the submitters: PubMed 31965079.

NC_012920.1(MT-TS1):m.7487C>T

Gene: MT-TS1 (mitochondrially encoded tRNA serine 1 (UCN); minus strand).
Variant type: single nucleotide variant.
Genome position: chrM-7487-C-T.
Identifiers: ClinVar variation 690031 (VCV000690031.1), dbSNP rs1603220981, ClinGen allele CA913177185.